The following is an entry in ClinVar:

ClinVar aggregate classification (germline): Uncertain significance (1 of 4 stars; one submission).

Conditions:
X-linked distal spinal muscular atrophy type 3. Also called: NEURONOPATHY, DISTAL HEREDITARY MOTOR, X-LINKED; NEUROPATHY, DISTAL HEREDITARY MOTOR, X-LINKED; ATP7A-Related Distal Motor Neuropathy; SPINAL MUSCULAR ATROPHY, DISTAL, X-LINKED RECESSIVE. Identifiers: Orphanet 139557, MedGen C1845359, MONDO:0010338, OMIM 300489.
Menkes kinky-hair syndrome (MNK). Also called: Classic Menkes Disease; Copper transport disease; Menkes Disease. Identifiers: Orphanet 565, MedGen C0022716, MONDO:0010651, OMIM 309400.
Cutis laxa, X-linked (OHS). Also called: EDS IX; Occipital horn syndrome. Identifiers: Orphanet 198, MedGen C0268353, MONDO:0010572, OMIM 304150.

Submission:

Labcorp Genetics (formerly Invitae), Labcorp
Classification: Uncertain significance for X-linked distal spinal muscular atrophy type 3; Cutis laxa, X-linked; Menkes kinky-hair syndrome. Last evaluated: 2020-01-23. Review status: criteria provided, single submitter. Criteria: Invitae Variant Classification Sherloc (09022015). Collection method: clinical testing. Allele origin: germline.
Comment: This variant results in a copy number gain of the genomic region encompassing exons 11-23 of the ATP7A gene. The 5' boundary is likely confined to intron 10. The 3' end of this event is unknown as it extends beyond the assayed region for this gene and therefore may encompass additional genes. As the precise location of this event is unknown, it may be in tandem or it may be located elsewhere in the genome. This variant has not been reported in the literature in individuals with ATP7A-related conditions. In summary, the available evidence is currently insufficient to determine the role of this variant in disease. Therefore, it has been classified as a Variant of Uncertain Significance.

NC_000023.10:g.(?_77270149)_(77305902_?)dup

Gene: ATP7A (ATPase copper transporting alpha; plus strand). Cytogenetic location: Xq21.1.
Variant type: Duplication.
Identifiers: ClinVar variation 2422245 (VCV002422245.4).